The following is an entry in ClinVar:

ClinVar aggregate classification (germline): Uncertain significance. Review status: criteria provided, multiple submitters, no conflicts (2 of 4 stars). 2 submissions from 2 submitters: Uncertain significance (2). Last evaluated 2026-02-13.

Conditions:
Cardiovascular phenotype. Identifiers: MedGen CN230736.

Allele frequency attached by ClinVar (database versions not stated): 1000 Genomes Project 30x 0.00016; 1000 Genomes Project 0.00020; gnomAD 0.00003; TOPMed 0.00003; ExAC 0.00004.

Submissions (2):

Women's Health and Genetics/Laboratory Corporation of America, LabCorp
Classification: Uncertain significance. Last evaluated: 2026-02-13. Review status: criteria provided, single submitter. Criteria: LabCorp Variant Classification Summary - May 2015. Collection method: clinical testing. Allele origin: germline.
Comment: Variant summary: TNXB c.4867G>A (p.Val1623Met) results in a conservative amino acid change in the encoded protein sequence. Algorithms developed to predict the effect of missense changes on protein structure and function all suggest that this variant is likely to be tolerated. The variant allele was found at a frequency of 4.4e-05 in 247594 control chromosomes. This frequency is not significantly higher than estimated for disease-causing variants in TNXB, allowing no conclusion about variant significance. To our knowledge, no occurrence of c.4867G>A in individuals affected with TNXB-related conditions and no experimental evidence demonstrating its impact on protein function have been reported. ClinVar contains an entry for this variant (Variation ID: 1743668). Based on the evidence outlined above, the variant was classified as uncertain significance.

Ambry Genetics
Classification: Uncertain significance for Cardiovascular phenotype. Last evaluated: 2025-09-18. Review status: criteria provided, single submitter. Criteria: Ambry Variant Classification Scheme 2023. Collection method: clinical testing. Allele origin: germline.
Comment: The p.V1623M variant (also known as c.4867G>A), located in coding exon 12 of the TNXB gene, results from a G to A substitution at nucleotide position 4867. The valine at codon 1623 is replaced by methionine, an amino acid with highly similar properties. This amino acid position is well conserved in available vertebrate species; however, methionine is the reference amino acid in other vertebrate species. In addition, this alteration is predicted to be tolerated by in silico analysis. Since supporting evidence is limited at this time, the clinical significance of this alteration remains unclear.

NM_001365276.2(TNXB):c.4867G>A (p.Val1623Met)

Gene: TNXB (tenascin XB; minus strand). Cytogenetic location: 6p21.33.
Variant type: single nucleotide variant.
Coding change: c.4867G>A on transcript NM_001365276.2 (MANE Select); coding-DNA position 4867, G replaced by A.
Protein change: p.Val1623Met; replaces valine 1623 with methionine.
Molecular consequence: missense variant.
Genome position (GRCh38, 1-based): chr6:32,072,113, C>T on the plus strand (G>A on the coding strand, the complement: TNXB is on the minus strand). VCF-style: chr6-32072113-C-T. GRCh37 (hg19) VCF-style: chr6-32039890-C-T.
Other names: c.4867G>A, p.Val1623Met (NM_019105.8); short protein forms V1623M.
Identifiers: ClinVar variation 1743668 (VCV001743668.5), dbSNP rs549598494, ClinGen allele CA3734867.
Genomic context (GRCh38, chr6:32,072,113, plus strand): 5'-ACTTGTACTTGCGGGAGGGTTCCAGGTCAGGGATAGTGACCTCCCGCTGATCTGCAGCCA[C>T]GGGCACCACCTGGGGCTGCCCGTCCCTGTCCTTGTACTGAACCACAAAGGAGTCGAATTC-3'
Protein context (NP_001352205.1, residues 1613-1633): DRDGQPQVVP[Val1623Met]AADQREVTIP